The following is an entry in ClinVar:

ClinVar aggregate classification (germline): Uncertain significance (1 of 4 stars; one submission).

Conditions:
Bethlem myopathy 1A. Also called: Bethlem myopathy 1; Bethlem Muscular Dystrophy; MYOPATHY, BENIGN CONGENITAL, WITH CONTRACTURES. Identifiers: Orphanet 610, MedGen CN029274, MONDO:0024530, OMIM 158810.

Allele frequency attached by ClinVar (database versions not stated): gnomAD exomes 0.00001.
gnomAD v4.1: 6 of 1,614,084 alleles (0.00037%); highest among the groups gnomAD compares: Non-Finnish European, 0.00051%; no homozygotes.

Submission:

Labcorp Genetics (formerly Invitae), Labcorp
Classification: Uncertain significance for Bethlem myopathy 1A. Last evaluated: 2023-06-02. Review status: criteria provided, single submitter. Criteria: Invitae Variant Classification Sherloc (09022015). Collection method: clinical testing. Allele origin: germline.
Comment: In summary, the available evidence is currently insufficient to determine the role of this variant in disease. Therefore, it has been classified as a Variant of Uncertain Significance. Advanced modeling of protein sequence and biophysical properties (such as structural, functional, and spatial information, amino acid conservation, physicochemical variation, residue mobility, and thermodynamic stability) performed at Invitae indicates that this missense variant is not expected to disrupt COL6A3 protein function. This variant has not been reported in the literature in individuals affected with COL6A3-related conditions. This variant is not present in population databases (gnomAD no frequency). This sequence change replaces alanine, which is neutral and non-polar, with glycine, which is neutral and non-polar, at codon 2378 of the COL6A3 protein (p.Ala2378Gly).

NM_004369.4(COL6A3):c.7133C>G (p.Ala2378Gly)

Gene: COL6A3 (collagen type VI alpha 3 chain; minus strand). Cytogenetic location: 2q37.3.
Variant type: single nucleotide variant.
Coding change: c.7133C>G on transcript NM_004369.4 (MANE Select); coding-DNA position 7133, C replaced by G.
Protein change: p.Ala2378Gly; replaces alanine 2378 with glycine.
Molecular consequence: missense variant.
Genome position (GRCh38, 1-based): chr2:237,345,087, G>C on the plus strand (C>G on the coding strand, the complement: COL6A3 is on the minus strand). VCF-style: chr2-237345087-G-C. GRCh37 (hg19) VCF-style: chr2-238253730-G-C.
Other names: c.5312C>G, p.Ala1771Gly (NM_057166.5); c.6515C>G, p.Ala2172Gly (NM_057167.4); short protein forms A1771G, A2378G, A2172G.
Identifiers: ClinVar variation 2759914 (VCV002759914.3), dbSNP rs2469818750, ClinGen allele CA351204998.
Genomic context (GRCh38, chr2:237,345,087, plus strand): 5'-ATTGTGAGACAACAGAAAATCATGTACTTACGGCATTTATCTTTGATGCTTTGGATGAGG[G>C]CACATTGCTTTAAAAGAAAATAAAAGAATATGTAAAGAGAGCAAATCAAAGGCTCATGAG-3'
Protein context (NP_004360.2, residues 2368-2388): GNRGDSIDQC[Ala2378Gly]LIQSIKDKCP